The following is an entry in ClinVar:

ClinVar aggregate classification (germline): Conflicting classifications of pathogenicity. Review status: criteria provided, conflicting classifications (1 of 4 stars). 15 submissions from 15 submitters: Uncertain significance (1); Benign (7); Likely benign (2). 5 of the submissions do not count toward it. Last evaluated 2026-01-27.

Conditions:
Charcot-Marie-Tooth disease. Also called: Charcot-Marie-Tooth Neuropathy; Charcot-Marie-Tooth Hereditary Neuropathy. Identifiers: Orphanet 166, MedGen C0007959, MONDO:0015626.
Cardiovascular phenotype. Identifiers: MedGen CN230736.
Amyloidosis, hereditary systemic 1 (AMYLD1). Also called: Familial amyloid polyneuropathy; Hereditary oculoleptomeningeal amyloid angiopathy; Familial Transthyretin Amyloidosis; AMYLOID CARDIOMYOPATHY; Isolated Cardiac Amyloidosis; Amyloid Cardiomyopathy, Transthyretin-related. Identifiers: Orphanet 85447, Orphanet 85451, MedGen C2751492, MONDO:0971004, OMIM 105210.
Cardiomyopathy (CMYO). Also called: Cardiomyopathies. Identifiers: Orphanet 167848, MedGen C0878544, MONDO:0004994, HP:0001638. Inheritance: Various modes of inheritance.

Allele frequency attached by ClinVar (database versions not stated): gnomAD 0.00019 and 0.00032; TOPMed 0.00029; ExAC 0.00065; gnomAD exomes 0.00079; 1000 Genomes Project 0.00260; 1000 Genomes Project 30x 0.00265.
gnomAD v4.1: 320 of 1,614,128 alleles (0.02%); highest among the groups gnomAD compares: East Asian, 0.58%; 2 homozygotes.

Submissions (15):

Labcorp Genetics (formerly Invitae), Labcorp
Classification: Benign for Amyloidosis, hereditary systemic 1. Last evaluated: 2026-01-27. Review status: criteria provided, single submitter. Criteria: Invitae Variant Classification Sherloc (09022015). Collection method: clinical testing. Allele origin: germline.

Molecular Diagnostic Laboratory for Inherited Cardiovascular Disease, Montreal Heart Institute
Classification: Benign. Last evaluated: 2025-04-09. Review status: criteria provided, single submitter. Criteria: ACMG Guidelines, 2015. Collection method: clinical testing. Allele origin: germline. Affected: no.

Blueprint Genetics
Classification: Likely benign. Last evaluated: 2024-05-28. Review status: criteria provided, single submitter. Criteria: ACMG Guidelines, 2015. Collection method: clinical testing. Allele origin: germline.

CHEO Genetics Diagnostic Laboratory, Children's Hospital of Eastern Ontario
Classification: Benign for Cardiomyopathy. Last evaluated: 2017-11-28. Review status: criteria provided, single submitter. Criteria: ACMG Guidelines, 2015. Collection method: clinical testing. Allele origin: germline.

Ambry Genetics
Classification: Benign for Cardiovascular phenotype. Last evaluated: 2017-07-26. Review status: criteria provided, single submitter. Criteria: Ambry Variant Classification Scheme 2023. Collection method: clinical testing. Allele origin: germline.

Illumina Laboratory Services, Illumina
Classification: Benign for Amyloidosis, hereditary systemic 1. Last evaluated: 2017-04-27. Review status: criteria provided, single submitter. Criteria: ICSL Variant Classification Criteria 13 December 2019. Collection method: clinical testing. Allele origin: germline.
Comment: This variant was observed as part of a predisposition screen in an ostensibly healthy population. A literature search was performed for the gene, cDNA change, and amino acid change (where applicable). Publications were found based on this search. The evidence from the literature, in combination with allele frequency data from public databases where available, was sufficient to rule this variant out of causing disease. Therefore, this variant is classified as benign.

Women's Health and Genetics/Laboratory Corporation of America, LabCorp
Classification: Likely benign. Last evaluated: 2016-06-10. Review status: criteria provided, single submitter. Criteria: LabCorp Variant Classification Summary - May 2015. Collection method: clinical testing. Allele origin: germline.
Comment: Variant Summary: The TTR variant, c.371G>A (p.Arg124His) causes a missense change involving a non-conserved nucleotide with 2/4 in silico tools (SNPs&Go and mutation taster not captured here due to low reliability index and p-value, respectively) predicting a "benign" outcome. The variant of interest was observed in the large, broad control population, ExAC, with an allele frequency of 79/121336 (1/1535 including 1 homozygote), predominantly in the Asian cohort, 79/25158 (1/322), which significantly exceeds the estimated expected allele frequency for a pathogenic TTR variant of 1/31948. Therefore, suggesting the variant is a common polymorphism found in population(s) of Asian origin. The variant of interest has been reported in affected individuals via multiple publications suggesting a benign nature for the variant or even a suppressive impact. However, R104H compound heterozygotes expressing the aggressive mutation T59K from the second TTR allele presented with FAP pathology analogous to that characteristic of WT/T59K heterozygotes, suggesting that R104H may only suppress pathology in compound heterozygotes expressing mildly destabilizing TTR variants (Lim_2002). In vitro studies also support a benign or suppressor impact by the variant. Denaturation of TTR in V30M/R104H patient serum demonstrated that the R104H-containing tetramers were more resistant, suggesting that the R104H variant may stabilize the quaternary structure of TTR (Almeida_2000). These observations imply that the incorporation of R104H into heterotetramers comprised of an FAP-associated variant may stabilize the TTR structure, effectively preventing aggregation in vivo. In addition, authors suggest the variant of interest to act in a protective manner when as a complex allele with a mild TTR variant. In addition, multiple internal LCA samples report the variant to co-occur with other potentially pathogenic variants, MYH7 c.1273G>A (classified as likely pathgoenic ) and 2 reported with TTR variant, c.236C>A (p.Thr79Lys - classified as likely pathgoenic ). Multiple databases/clinical laboratories cite the variant with conflicting classifications, "pathogenic" or "benign." Therefore, taking all available lines of evidence into consideration, the variant of interest is classified as Likely Benign.

GeneDx
Classification: Benign. Last evaluated: 2015-03-03. Review status: criteria provided, single submitter. Criteria: GeneDx Variant Classification Process June 2021. Collection method: clinical testing. Allele origin: germline. Affected: yes.
Comment: This variant is associated with the following publications: (PMID: 10529370, 15820680, 10772944, 16911959)

Laboratory for Molecular Medicine, Mass General Brigham Personalized Medicine
Classification: Benign. Last evaluated: 2013-11-19. Review status: criteria provided, single submitter. Criteria: LMM Criteria. Collection method: clinical testing. Allele origin: germline. Observed: 1 variant allele.
Comment: Arg124His in exon 4 of TTR: This variant is not expected to have clinical signi ficance because it is found in several other species including mammals and has b een identified in 2% (8/394) Chinese chromosomes by the 1000 Genomes Project (dbSNP rs121918095). Arg124His in exon 4 of TTR (rs121 918095; allele frequency = 2%, 8/394)

Molecular Genetics Laboratory, London Health Sciences Centre
Classification: Uncertain significance for Charcot-Marie-Tooth disease. Review status: criteria provided, single submitter. Criteria: ACMG Guidelines, 2015. Collection method: clinical testing. Allele origin: germline. Affected: yes.

OMIM
Classification: Pathogenic for AMYLOIDOSIS, HEREDITARY SYSTEMIC 1. Last evaluated: 1999-10-22. Review status: no assertion criteria provided. Collection method: literature only. Allele origin: germline. Not counted in ClinVar's aggregate classification.

Clinical Genetics DNA and cytogenetics Diagnostics Lab, Erasmus MC, Erasmus Medical Center
Classification: Likely benign. Review status: no assertion criteria provided. Collection method: clinical testing. Allele origin: germline. Affected: yes. Study: VKGL Data-share Consensus. Not counted in ClinVar's aggregate classification.

Clinical Genetics, Academic Medical Center
Classification: Likely benign. Review status: no assertion criteria provided. Collection method: clinical testing. Allele origin: germline. Affected: yes. Study: VKGL Data-share Consensus. Not counted in ClinVar's aggregate classification.

Genome Diagnostics Laboratory, University Medical Center Utrecht
Classification: Benign. Review status: no assertion criteria provided. Collection method: clinical testing. Allele origin: germline. Affected: yes. Study: VKGL Data-share Consensus. Not counted in ClinVar's aggregate classification.

Joint Genome Diagnostic Labs from Nijmegen and Maastricht, Radboudumc and MUMC+
Classification: Likely benign. Review status: no assertion criteria provided. Collection method: clinical testing. Allele origin: germline. Affected: yes. Study: VKGL Data-share Consensus. Not counted in ClinVar's aggregate classification.

Literature cited by the submitters: PubMed 17431395 (cited by Illumina Laboratory Services, Illumina and Women's Health and Genetics/Laboratory Corporation of America, LabCorp); PubMed 10772944 (cited by 3 submitters); PubMed 12588803 (cited by Illumina Laboratory Services, Illumina); PubMed 15735344 (cited by Illumina Laboratory Services, Illumina); PubMed 16911959 (cited by 3 submitters); PubMed 10529370 (cited by 3 submitters); PubMed 24101373 (cited by Women's Health and Genetics/Laboratory Corporation of America, LabCorp); PubMed 15820680 (cited by Women's Health and Genetics/Laboratory Corporation of America, LabCorp); PubMed 25311081 (cited by Women's Health and Genetics/Laboratory Corporation of America, LabCorp); PubMed 12440486 (cited by Women's Health and Genetics/Laboratory Corporation of America, LabCorp); PubMed 14640030 (cited by Laboratory for Molecular Medicine, Mass General Brigham Personalized Medicine).

NM_000371.4(TTR):c.371G>A (p.Arg124His)

Gene: TTR (transthyretin; plus strand). Cytogenetic location: 18q12.1.
Variant type: single nucleotide variant.
Coding change: c.371G>A on transcript NM_000371.4 (MANE Select); coding-DNA position 371, G replaced by A.
Protein change: p.Arg124His; replaces arginine 124 with histidine.
Molecular consequence: missense variant.
Genome position (GRCh38, 1-based): chr18:31,598,602, G>A. VCF-style: chr18-31598602-G-A. GRCh37 (hg19) VCF-style: chr18-29178565-G-A.
Other names: R104H; short protein forms R124H.
Identifiers: ClinVar variation 13458 (VCV000013458.33), dbSNP rs121918095, ClinGen allele CA179467.